The following is an entry in ClinVar:

ClinVar aggregate classification (germline): Uncertain significance. Review status: criteria provided, multiple submitters, no conflicts (2 of 4 stars). 2 submissions from 2 submitters: Uncertain significance (2). Last evaluated 2022-02-11.

Conditions:
Inborn genetic diseases. Identifiers: MedGen C0950123, MeSH D030342.
Primary ciliary dyskinesia. Also called: Ciliary dyskinesia. Identifiers: Orphanet 244, MedGen C0008780, MONDO:0016575, HP:0012265.

Allele frequency attached by ClinVar (database versions not stated): gnomAD exomes below 0.00001 and 0.00001; ExAC 0.00004; gnomAD 0.00004 and 0.00005; TOPMed 0.00009; 1000 Genomes Project 30x 0.00031; 1000 Genomes Project 0.00040.

Submissions (2):

Labcorp Genetics (formerly Invitae), Labcorp
Classification: Uncertain significance for Primary ciliary dyskinesia. Last evaluated: 2022-02-11. Review status: criteria provided, single submitter. Criteria: Invitae Variant Classification Sherloc (09022015). Collection method: clinical testing. Allele origin: germline.
Comment: ClinVar contains an entry for this variant (Variation ID: 411601). This variant has not been reported in the literature in individuals affected with CCNO-related conditions. The frequency data for this variant in the population databases is considered unreliable, as metrics indicate poor data quality at this position in the gnomAD database. This sequence change replaces alanine, which is neutral and non-polar, with threonine, which is neutral and polar, at codon 230 of the CCNO protein (p.Ala230Thr). Algorithms developed to predict the effect of missense changes on protein structure and function are either unavailable or do not agree on the potential impact of this missense change (SIFT: "Tolerated"; PolyPhen-2: "Probably Damaging"; Align-GVGD: "Class C0"). In summary, the available evidence is currently insufficient to determine the role of this variant in disease. Therefore, it has been classified as a Variant of Uncertain Significance. Algorithms developed to predict the effect of sequence changes on RNA splicing suggest that this variant may create or strengthen a splice site.

Ambry Genetics
Classification: Uncertain significance for Inborn genetic diseases. Last evaluated: 2021-08-02. Review status: criteria provided, single submitter. Criteria: Ambry Variant Classification Scheme 2023. Collection method: clinical testing. Allele origin: germline.

NM_021147.5(CCNO):c.688G>A (p.Ala230Thr)

Gene: CCNO (cyclin O; minus strand). Cytogenetic location: 5q11.2.
Variant type: single nucleotide variant.
Coding change: c.688G>A on transcript NM_021147.5 (MANE Select); coding-DNA position 688, G replaced by A.
Protein change: p.Ala230Thr; replaces alanine 230 with threonine.
Molecular consequence: missense variant. On other transcripts: non-coding transcript variant (3).
Genome position (GRCh38, 1-based): chr5:55,231,740, C>T on the plus strand (G>A on the coding strand, the complement: CCNO is on the minus strand). VCF-style: chr5-55231740-C-T. GRCh37 (hg19) VCF-style: chr5-54527568-C-T.
Other names: c.688G>A (NM_021147.3); short protein forms A230T.
Identifiers: ClinVar variation 411601 (VCV000411601.10), dbSNP rs553351741, ClinGen allele CA3266704.